The following is an entry in ClinVar:

ClinVar aggregate classification (germline): Uncertain significance. Review status: criteria provided, multiple submitters, no conflicts (2 of 4 stars). 2 submissions from 2 submitters: Uncertain significance (2). Last evaluated 2025-09-16.

Submissions (2):

Labcorp Genetics (formerly Invitae), Labcorp
Classification: Uncertain significance. Last evaluated: 2025-09-16. Review status: criteria provided, single submitter. Criteria: Invitae Variant Classification Sherloc (09022015). Collection method: clinical testing. Allele origin: germline.
Comment: This sequence change replaces arginine, which is basic and polar, with tryptophan, which is neutral and slightly polar, at codon 307 of the KLHDC8B protein (p.Arg307Trp). This variant is present in population databases (rs150205472, gnomAD 0.007%). This variant has not been reported in the literature in individuals affected with KLHDC8B-related conditions. ClinVar contains an entry for this variant (Variation ID: 3288873). An algorithm developed to predict the effect of missense changes on protein structure and function (PolyPhen-2) suggests that this variant is likely to be disruptive. In summary, the available evidence is currently insufficient to determine the role of this variant in disease. Therefore, it has been classified as a Variant of Uncertain Significance.

Ambry Genetics
Classification: Uncertain significance. Last evaluated: 2024-03-29. Review status: criteria provided, single submitter. Criteria: Ambry Variant Classification Scheme 2023. Collection method: clinical testing. Allele origin: germline.

NM_173546.3(KLHDC8B):c.919C>T (p.Arg307Trp)

Gene: KLHDC8B (kelch domain containing 8B; plus strand). Cytogenetic location: 3p21.31.
Variant type: single nucleotide variant.
Coding change: c.919C>T on transcript NM_173546.3 (MANE Select); coding-DNA position 919, C replaced by T.
Protein change: p.Arg307Trp; replaces arginine 307 with tryptophan.
Molecular consequence: missense variant.
Genome position (GRCh38, 1-based): chr3:49,175,655, C>T. VCF-style: chr3-49175655-C-T. GRCh37 (hg19) VCF-style: chr3-49213088-C-T.
Other names: short protein forms R307W.
Identifiers: ClinVar variation 3288873 (VCV003288873.2).